The following is an entry in ClinVar:

NM_005612.5(REST):c.1696GAG[1] (p.Glu567del)

Gene: REST (RE1 silencing transcription factor; plus strand). Cytogenetic location: 4q12.
Variant type: Microsatellite.
Coding change: c.1696GAG[1] on transcript NM_005612.5 (MANE Select); one copy of the 3-base unit GAG starting at c.1696; the reference has two copies in a row; one copy, 3 bases deleted.
Protein change: p.Glu567del; deletes glutamic acid 567.
Molecular consequence: inframe deletion. On other transcripts: inframe indel (2).
Genome position (GRCh38, 1-based): chr4:56,930,557-56,930,559, GAG deleted; deleting any 3 consecutive bases within chr4:56,930,553-56,930,559 gives the same sequence; the position shown is the placement nearest the transcript's 3' end. VCF-style (leftmost placement, unchanged base first): chr4-56930552-TGGA-T. GRCh37 (hg19) VCF-style: chr4-57796718-TGGA-T.
Other names: c.1696_1698GAG[1], p.Glu567del (NM_001193508.2, NM_001363453.3); short protein forms E567del.
Identifiers: ClinVar variation 3714512 (VCV003714512.2).

ClinVar aggregate classification (germline): Uncertain significance (1 of 4 stars; one submission).

Submission:

Labcorp Genetics (formerly Invitae), Labcorp
Classification: Uncertain significance. Last evaluated: 2024-07-03. Review status: criteria provided, single submitter. Criteria: Invitae Variant Classification Sherloc (09022015). Collection method: clinical testing. Allele origin: germline.
Comment: This variant, c.1699_1701del, results in the deletion of 1 amino acid(s) of the REST protein (p.Glu567del), but otherwise preserves the integrity of the reading frame. This variant is present in population databases (no rsID available, gnomAD 0.007%). This variant has not been reported in the literature in individuals affected with REST-related conditions. Experimental studies and prediction algorithms are not available or were not evaluated, and the functional significance of this variant is currently unknown. In summary, the available evidence is currently insufficient to determine the role of this variant in disease. Therefore, it has been classified as a Variant of Uncertain Significance.